The following is an entry in ClinVar:

NM_025137.4(SPG11):c.676G>T (p.Asp226Tyr)

Gene: SPG11 (SPG11 vesicle trafficking associated, spatacsin; minus strand). Cytogenetic location: 15q21.1.
Variant type: single nucleotide variant.
Coding change: c.676G>T on transcript NM_025137.4 (MANE Select); coding-DNA position 676, G replaced by T.
Protein change: p.Asp226Tyr; replaces aspartic acid 226 with tyrosine.
Molecular consequence: missense variant.
Genome position (GRCh38, 1-based): chr15:44,657,288, C>A on the plus strand (G>T on the coding strand, the complement: SPG11 is on the minus strand). VCF-style: chr15-44657288-C-A. GRCh37 (hg19) VCF-style: chr15-44949486-C-A.
Other names: c.676G>T, p.Asp226Tyr (NM_001160227.2, NM_001411132.1); short protein forms D226Y.
Identifiers: ClinVar variation 2177833 (VCV002177833.4), dbSNP rs971078676, ClinGen allele CA392237529.
Genomic context (GRCh38, chr15:44,657,288, plus strand): 5'-ACATGTCTTCTTTGTGAAGTGCTAAATCCACATGAGCTACATATGTACCATCCACAACAT[C>A]AAAAATGTCTTTTAGTTAGAGTTAAAAGAAAATGCCAGTTTTGTAAGTATGCCTAACTAT-3'
Protein context (NP_079413.3, residues 216-236): LSSLGWIYIF[Asp226Tyr]VVDGTYVAHV

ClinVar aggregate classification (germline): Uncertain significance (1 of 4 stars; one submission).

Conditions:
Hereditary spastic paraplegia 11. Also called: SPASTIC PARAPLEGIA, AUTOSOMAL RECESSIVE, COMPLICATED, WITH THIN CORPUS CALLOSUM; SPASTIC PARAPLEGIA, AUTOSOMAL RECESSIVE, WITH MENTAL IMPAIRMENT AND THIN CORPUS CALLOSUM; Spastic Paraplegia 11; Nakamura Osame syndrome; Autosomal recessive hereditary spastic paraplegia, mental impairment, and thin corpus callosum; Spastic paraplegia, mental retardation and thin corpus callosum. Identifiers: Orphanet 2822, MedGen C1858479, MONDO:0011445, OMIM 604360.

Submission:

Labcorp Genetics (formerly Invitae), Labcorp
Classification: Uncertain significance for Hereditary spastic paraplegia 11. Last evaluated: 2022-07-13. Review status: criteria provided, single submitter. Criteria: Invitae Variant Classification Sherloc (09022015). Collection method: clinical testing. Allele origin: germline.
Comment: In summary, the available evidence is currently insufficient to determine the role of this variant in disease. Therefore, it has been classified as a Variant of Uncertain Significance. Algorithms developed to predict the effect of sequence changes on RNA splicing suggest that this variant may disrupt the consensus splice site. Algorithms developed to predict the effect of missense changes on protein structure and function are either unavailable or do not agree on the potential impact of this missense change (SIFT: "Deleterious"; PolyPhen-2: "Benign"; Align-GVGD: "Class C0"). This variant has not been reported in the literature in individuals affected with SPG11-related conditions. This variant is not present in population databases (gnomAD no frequency). This sequence change replaces aspartic acid, which is acidic and polar, with tyrosine, which is neutral and polar, at codon 226 of the SPG11 protein (p.Asp226Tyr).